The following is an entry in ClinVar:

NM_007294.4(BRCA1):c.5332+22A>G

Gene: BRCA1 (BRCA1 DNA repair associated; minus strand). Cytogenetic location: 17q21.31.
Variant type: single nucleotide variant.
Coding change: c.5332+22A>G on transcript NM_007294.4 (MANE Select); 22 bases into the intron after coding-DNA position 5332, A replaced by G.
Molecular consequence: intron variant.
Genome position (GRCh38, 1-based): chr17:43,051,041, T>C on the plus strand (A>G on the coding strand, the complement: BRCA1 is on the minus strand). VCF-style: chr17-43051041-T-C. GRCh37 (hg19) VCF-style: chr17-41203058-T-C.
Other names: c.1903+22A>G (NM_001408424.1, NM_001408422.1, NM_001408423.1 and 1 more transcripts); c.2014+22A>G (NM_001408407.1, NM_001408406.1, NM_001408408.1); c.2017+22A>G (NM_001408402.1, NM_001408473.1, NM_001408399.1 and 8 more transcripts); c.2020+22A>G (NM_001407984.1, NM_001407983.1, NM_001407992.1 and 12 more transcripts); c.5323+22A>G (NM_001407645.1, NM_001407644.1); c.5326+22A>G (NM_001407628.1, NM_001407637.1, NM_001407641.1 and 14 more transcripts); c.5329+22A>G (NM_001407860.1, NM_001407611.1, NM_001407624.1 and 17 more transcripts); c.5392+22A>G (NM_001407590.1, NM_001407591.1); and 74 more.
Identifiers: ClinVar variation 868012 (VCV000868012.3), dbSNP rs200407477, ClinGen allele CA054513.

Conditions:
Breast-ovarian cancer, familial, susceptibility to, 1 (BROVCA1). Also called: BRCA1 Hereditary Breast and Ovarian Cancer; OVARIAN CANCER, SUSCEPTIBILITY TO. Identifiers: Orphanet 145, MedGen C2676676, MONDO:0011450, OMIM 604370. Disease mechanism: loss of function.

Allele frequency attached by ClinVar (database versions not stated): ExAC below 0.00001; gnomAD 0.00001; 1000 Genomes Project 30x 0.00016; 1000 Genomes Project 0.00020.
gnomAD v4.1: 1 of 1,610,694 alleles (0.000062%); highest among the groups gnomAD compares: East Asian, 0.0022%; no homozygotes.

Submission:

Brotman Baty Institute, University of Washington
No classification provided (evidence only). Condition: Breast-ovarian cancer, familial 1. Review status: no classification provided. Collection method: in vitro. Allele origin: not applicable. Functional consequence: functionally_normal.
ClinVar note: "not provided" was previously submitted as the classification for the variant. However, the classification appeared to be based only on an observation of functional data so it was converted to no classification on 2025-07-30.